The following is an entry in ClinVar:

ClinVar aggregate classification (germline): Uncertain significance (1 of 4 stars; one submission).

Conditions:
PTCH1-related disorder. Also called: PTCH1-related disorders; PTCH1-related condition.

gnomAD v4.1: 6 of 1,613,322 alleles (0.00037%); highest among the groups gnomAD compares: Non-Finnish European, 0.00042%; no homozygotes.

Submission:

PreventionGenetics, part of Exact Sciences
Classification: Uncertain significance for PTCH1-related condition. Last evaluated: 2026-01-13. Review status: criteria provided, single submitter. Criteria: ACMG Guidelines, 2015. Collection method: clinical testing. Allele origin: germline.
Comment: The PTCH1 c.53C>T variant is predicted to result in the amino acid substitution p.Pro18Leu. This variant corresponds to a precoding position in the primary transcript for this gene (NM_000264.3:c.-8407C>T). To our knowledge, this variant has not been reported in the literature or in a large population database, indicating this variant is rare. At this time, the clinical significance of this variant is uncertain due to the absence of conclusive functional and genetic evidence.

NM_001083603.3(PTCH1):c.53C>T (p.Pro18Leu)

Gene: PTCH1 (patched 1; minus strand). Cytogenetic location: 9q22.32.
Variant type: single nucleotide variant.
Coding change: c.53C>T on transcript NM_001083603.3 (MANE Plus Clinical); coding-DNA position 53, C replaced by T.
Protein change: p.Pro18Leu; replaces proline 18 with leucine.
Molecular consequence: missense variant. On other transcripts: 5 prime UTR variant (2).
Genome position (GRCh38, 1-based): chr9:95,516,768, G>A on the plus strand (C>T on the coding strand, the complement: PTCH1 is on the minus strand). VCF-style: chr9-95516768-G-A. GRCh37 (hg19) VCF-style: chr9-98279050-G-A.
Other names: c.-297C>T (NM_001083602.3, NM_001354919.2); short protein forms P18L.
Identifiers: ClinVar variation 4987068 (VCV004987068.1).